The following is an entry in ClinVar:

ClinVar aggregate classification (germline): Pathogenic (1 of 4 stars; one submission).

Submission:

Labcorp Genetics (formerly Invitae), Labcorp
Classification: Pathogenic. Last evaluated: 2019-12-11. Review status: criteria provided, single submitter. Criteria: Invitae Variant Classification Sherloc (09022015). Collection method: clinical testing. Allele origin: germline.
Comment: This variant is a gross duplication of the genomic region encompassing exon 2 of the PARK2 gene. While the exact position of the duplicated exons cannot be determined from this data, the duplicated copy of this region is likely in tandem and may result in an absent or disrupted protein product. This variant has been observed on the opposite chromosome (in trans) from a pathogenic variant in an individual affected with Parkinson's disease (PMID: 12116199). This finding is consistent with autosomal recessive inheritance, and suggests that this variant contributes to disease. This variant has also been reported in the heterozygous state in an individual affected with early-onset Parkinson's disease, but no second PARK2 variant was identified (PMID: 25833766). Sub-genic duplications are generally in tandem (PMID: 25640679), and result in an absent or disrupted protein. For these reasons, this variant has been classified as Pathogenic.

Literature cited by the submitters: PubMed 25833766; PubMed 12116199.

NC_000006.11:g.(?_162864332)_(162864519_?)dup

Gene: PRKN (parkin RBR E3 ubiquitin protein ligase; minus strand). Cytogenetic location: 6q26.
Variant type: Duplication.
Identifiers: ClinVar variation 658968 (VCV000658968.2).